The following is an entry in ClinVar:

ClinVar aggregate classification (germline): Uncertain significance (1 of 4 stars; one submission).

Conditions:
Malignant hyperthermia, susceptibility to, 5 (MHS5). Also called: CACNA1S-Related Malignant Hyperthermia Susceptibility. Identifiers: Orphanet 423, MedGen C1866077, MONDO:0011163, OMIM 601887.

gnomAD v4.1: 1 of 1,612,980 alleles (0.000062%); highest among the groups gnomAD compares: Non-Finnish European, 0.000085%; no homozygotes.

Submission:

All of Us Research Program, National Institutes of Health
Classification: Uncertain significance for Malignant hyperthermia, susceptibility to, 5. Last evaluated: 2023-06-26. Review status: criteria provided, single submitter. Criteria: ACMG Guidelines, 2015. Collection method: clinical testing. Allele origin: germline. Inheritance: Autosomal dominant inheritance. Observed: 1 variant allele, 1 heterozygote.
Comment: This variant causes a T to A nucleotide substitution at the +6 position of intron 28 of the CACNA1S gene. To our knowledge, functional studies have not been reported for this variant. This variant has not been reported in individuals affected with CACNA1S-related disorders in the literature. This variant has not been identified in the general population by the Genome Aggregation Database (gnomAD). The available evidence is insufficient to determine the role of this variant in disease conclusively. Therefore, this variant is classified as a Variant of Uncertain Significance.

This study involves interpretation of variants in research participants for the purpose of population health screening. Participant phenotype was not available at the time of variant classification. Additional details can be found in publication PMID: 35346344, PMCID: PMC8962531

NM_000069.3(CACNA1S):c.3609+6T>A

Gene: CACNA1S (calcium voltage-gated channel subunit alpha1 S; minus strand). Cytogenetic location: 1q32.1.
Variant type: single nucleotide variant.
Coding change: c.3609+6T>A on transcript NM_000069.3 (MANE Select); 6 bases into the intron after coding-DNA position 3609, T replaced by A.
Molecular consequence: intron variant.
Genome position (GRCh38, 1-based): chr1:201,058,402, A>T on the plus strand (T>A on the coding strand, the complement: CACNA1S is on the minus strand). VCF-style: chr1-201058402-A-T. GRCh37 (hg19) VCF-style: chr1-201027530-A-T.
Identifiers: ClinVar variation 3071923 (VCV003071923.1), dbSNP rs1369529387, ClinGen allele CA2649760334.
Genomic context (GRCh38, chr1:201,058,402, plus strand): 5'-TATCTGTGGATTGAACACATGCTCTTGGGCCCACCCTAGTGATGGCTCTGCCTGCCTGAT[A>T]CTCACGTCGATCTCACTGAGGATGACATCAATGATGCTGCCAATGACAATCAGGAAGTCA-3'